The following is an entry in ClinVar:

ClinVar aggregate classification (germline): Uncertain significance. Review status: criteria provided, multiple submitters, no conflicts (2 of 4 stars). 3 submissions from 3 submitters: Uncertain significance (3). Last evaluated 2025-01-21.

Conditions:
Inborn genetic diseases. Identifiers: MedGen C0950123, MeSH D030342.

Allele frequency attached by ClinVar (database versions not stated): TOPMed below 0.00001; gnomAD 0.00001; gnomAD exomes 0.00001 and 0.00002; ExAC 0.00005.

Submissions (3):

Ambry Genetics
Classification: Uncertain significance for Inborn genetic diseases. Last evaluated: 2025-01-21. Review status: criteria provided, single submitter. Criteria: Ambry Variant Classification Scheme 2023. Collection method: clinical testing. Allele origin: germline.

CeGaT Center for Human Genetics Tuebingen
Classification: Uncertain significance. Last evaluated: 2023-09-01. Review status: criteria provided, single submitter. Criteria: CeGaT Center For Human Genetics Tuebingen Variant Classification Criteria Version 2. Collection method: clinical testing. Allele origin: germline. Affected: yes. Observed: 2 variant alleles.

Labcorp Genetics (formerly Invitae), Labcorp
Classification: Uncertain significance. Last evaluated: 2022-08-25. Review status: criteria provided, single submitter. Criteria: Invitae Variant Classification Sherloc (09022015). Collection method: clinical testing. Allele origin: germline.
Comment: This sequence change replaces arginine, which is basic and polar, with cysteine, which is neutral and slightly polar, at codon 600 of the COL9A2 protein (p.Arg600Cys). This variant is present in population databases (rs749078666, gnomAD 0.01%). This variant has not been reported in the literature in individuals affected with COL9A2-related conditions. ClinVar contains an entry for this variant (Variation ID: 1036641). Advanced modeling of protein sequence and biophysical properties (such as structural, functional, and spatial information, amino acid conservation, physicochemical variation, residue mobility, and thermodynamic stability) performed at Invitae indicates that this missense variant is not expected to disrupt COL9A2 protein function. In summary, the available evidence is currently insufficient to determine the role of this variant in disease. Therefore, it has been classified as a Variant of Uncertain Significance.

NM_001852.4(COL9A2):c.1798C>T (p.Arg600Cys)

Gene: COL9A2 (collagen type IX alpha 2 chain; minus strand). Cytogenetic location: 1p34.2.
Variant type: single nucleotide variant.
Coding change: c.1798C>T on transcript NM_001852.4 (MANE Select); coding-DNA position 1798, C replaced by T.
Protein change: p.Arg600Cys; replaces arginine 600 with cysteine.
Molecular consequence: missense variant.
Genome position (GRCh38, 1-based): chr1:40,301,884, G>A on the plus strand (C>T on the coding strand, the complement: COL9A2 is on the minus strand). VCF-style: chr1-40301884-G-A. GRCh37 (hg19) VCF-style: chr1-40767556-G-A.
Other names: c.1798C>T (NM_001852.3); short protein forms R600C.
Identifiers: ClinVar variation 1036641 (VCV001036641.37), dbSNP rs749078666, ClinGen allele CA791319.